The following is an entry in ClinVar:

NM_006231.4(POLE):c.3240C>G (p.Ile1080Met)

Gene: POLE (DNA polymerase epsilon, catalytic subunit; minus strand). Cytogenetic location: 12q24.33.
Variant type: single nucleotide variant.
Coding change: c.3240C>G on transcript NM_006231.4 (MANE Select); coding-DNA position 3240, C replaced by G.
Protein change: p.Ile1080Met; replaces isoleucine 1080 with methionine.
Molecular consequence: missense variant.
Genome position (GRCh38, 1-based): chr12:132,659,330, G>C on the plus strand (C>G on the coding strand, the complement: POLE is on the minus strand). VCF-style: chr12-132659330-G-C. GRCh37 (hg19) VCF-style: chr12-133235916-G-C.
Other names: short protein forms I1080M.
Identifiers: ClinVar variation 540629 (VCV000540629.8), dbSNP rs769386598, ClinGen allele CA387390385.

ClinVar aggregate classification (germline): Uncertain significance (1 of 4 stars; one submission).

Submission:

Labcorp Genetics (formerly Invitae), Labcorp
Classification: Uncertain significance. Last evaluated: 2025-04-13. Review status: criteria provided, single submitter. Criteria: Invitae Variant Classification Sherloc (09022015). Collection method: clinical testing. Allele origin: germline.
Comment: This sequence change replaces isoleucine, which is neutral and non-polar, with methionine, which is neutral and non-polar, at codon 1080 of the POLE protein (p.Ile1080Met). This variant is not present in population databases (gnomAD no frequency). This variant has not been reported in the literature in individuals affected with POLE-related conditions. ClinVar contains an entry for this variant (Variation ID: 540629). Invitae Evidence Modeling of protein sequence and biophysical properties (such as structural, functional, and spatial information, amino acid conservation, physicochemical variation, residue mobility, and thermodynamic stability) indicates that this missense variant is expected to disrupt POLE protein function with a positive predictive value of 80%. In summary, the available evidence is currently insufficient to determine the role of this variant in disease. Therefore, it has been classified as a Variant of Uncertain Significance.